The following is an entry in ClinVar:

ClinVar aggregate classification (germline): Uncertain significance (1 of 4 stars; one submission).

Submission:

Labcorp Genetics (formerly Invitae), Labcorp
Classification: Uncertain significance. Last evaluated: 2024-01-12. Review status: criteria provided, single submitter. Criteria: Invitae Variant Classification Sherloc (09022015). Collection method: clinical testing. Allele origin: germline.
Comment: This sequence change replaces isoleucine, which is neutral and non-polar, with valine, which is neutral and non-polar, at codon 127 of the ERBIN protein (p.Ile127Val). This variant is not present in population databases (gnomAD no frequency). This variant has not been reported in the literature in individuals affected with ERBIN-related conditions. An algorithm developed to predict the effect of missense changes on protein structure and function (PolyPhen-2) suggests that this variant is likely to be tolerated. In summary, the available evidence is currently insufficient to determine the role of this variant in disease. Therefore, it has been classified as a Variant of Uncertain Significance.

NM_001253697.2(ERBIN):c.379A>G (p.Ile127Val)

Gene: ERBIN (erbb2 interacting protein; plus strand). Cytogenetic location: 5q12.3.
Variant type: single nucleotide variant.
Coding change: c.379A>G on transcript NM_001253697.2 (MANE Select); coding-DNA position 379, A replaced by G.
Protein change: p.Ile127Val; replaces isoleucine 127 with valine.
Molecular consequence: missense variant.
Genome position (GRCh38, 1-based): chr5:66,012,120, A>G. VCF-style: chr5-66012120-A-G. GRCh37 (hg19) VCF-style: chr5-65307948-A-G.
Other names: c.379A>G, p.Ile127Val (NM_001006600.3, NM_001253698.2, NM_001253699.2 and 2 more transcripts); short protein forms I127V.
Identifiers: ClinVar variation 2793078 (VCV002793078.3), dbSNP rs2151103867, ClinGen allele CA359973922.